The following is an entry in ClinVar:

ClinVar aggregate classification (germline): Uncertain significance. Review status: criteria provided, multiple submitters, no conflicts (2 of 4 stars). 2 submissions from 2 submitters: Uncertain significance (2). Last evaluated 2024-09-06.

Conditions:
Primary ciliary dyskinesia. Also called: Ciliary dyskinesia. Identifiers: Orphanet 244, MedGen C0008780, MONDO:0016575, HP:0012265.

gnomAD v4.1: 13 of 1,613,886 alleles (0.00081%); highest among the groups gnomAD compares: Non-Finnish European, 0.0011%; no homozygotes.

Submissions (2):

Labcorp Genetics (formerly Invitae), Labcorp
Classification: Uncertain significance for Primary ciliary dyskinesia. Last evaluated: 2024-09-06. Review status: criteria provided, single submitter. Criteria: Invitae Variant Classification Sherloc (09022015). Collection method: clinical testing. Allele origin: germline.
Comment: This sequence change replaces proline, which is neutral and non-polar, with threonine, which is neutral and polar, at codon 4421 of the DNAH11 protein (p.Pro4421Thr). This variant is not present in population databases (gnomAD no frequency). This variant has not been reported in the literature in individuals affected with DNAH11-related conditions. ClinVar contains an entry for this variant (Variation ID: 2538206). Invitae Evidence Modeling of protein sequence and biophysical properties (such as structural, functional, and spatial information, amino acid conservation, physicochemical variation, residue mobility, and thermodynamic stability) indicates that this missense variant is not expected to disrupt DNAH11 protein function with a negative predictive value of 95%. In summary, the available evidence is currently insufficient to determine the role of this variant in disease. Therefore, it has been classified as a Variant of Uncertain Significance.

Ambry Genetics
Classification: Uncertain significance for Primary ciliary dyskinesia. Last evaluated: 2023-04-18. Review status: criteria provided, single submitter. Criteria: Ambry Variant Classification Scheme 2023. Collection method: clinical testing. Allele origin: germline.

NM_001277115.2(DNAH11):c.13261C>A (p.Pro4421Thr)

Gene: DNAH11 (dynein axonemal heavy chain 11; plus strand). Cytogenetic location: 7p15.3.
Variant type: single nucleotide variant.
Coding change: c.13261C>A on transcript NM_001277115.2 (MANE Select); coding-DNA position 13261, C replaced by A.
Protein change: p.Pro4421Thr; replaces proline 4421 with threonine.
Molecular consequence: missense variant.
Genome position (GRCh38, 1-based): chr7:21,900,078, C>A. VCF-style: chr7-21900078-C-A. GRCh37 (hg19) VCF-style: chr7-21939696-C-A.
Other names: c.13282C>A, p.Pro4428Thr (NM_003777.3); short protein forms P4421T, P4428T.
Identifiers: ClinVar variation 2538206 (VCV002538206.5), dbSNP rs369210437, ClinGen allele CA366956200.